The following is an entry in ClinVar:

ClinVar aggregate classification (germline): Uncertain significance. Review status: criteria provided, multiple submitters, no conflicts (2 of 4 stars). 2 submissions from 2 submitters: Uncertain significance (2). Last evaluated 2025-09-26.

Conditions:
Mandibulofacial dysostosis-microcephaly syndrome (MFDGA). Also called: Mandibulofacial dysostosis, Guion-Almeida type; Growth and mental retardation, mandibulofacial dysostosis, microcephaly, and cleft palate. Identifiers: Orphanet 79113, MedGen C1864652, MONDO:0012516, OMIM 610536.
Inborn genetic diseases. Identifiers: MedGen C0950123, MeSH D030342.

Allele frequency attached by ClinVar (database versions not stated): gnomAD exomes below 0.00001.
gnomAD v4.1: 4 of 1,614,188 alleles (0.00025%); highest among the groups gnomAD compares: Non-Finnish European, 0.00025%; no homozygotes.

Submissions (2):

Ambry Genetics
Classification: Uncertain significance for Inborn genetic diseases. Last evaluated: 2025-09-26. Review status: criteria provided, single submitter. Criteria: Ambry Variant Classification Scheme 2023. Collection method: clinical testing. Allele origin: germline.

Laboratorio de Genetica e Diagnostico Molecular, Hospital Israelita Albert Einstein
Classification: Uncertain significance for Mandibulofacial dysostosis-microcephaly syndrome. Last evaluated: 2023-01-04. Review status: criteria provided, single submitter. Criteria: ACMG Guidelines, 2015. Collection method: clinical testing. Allele origin: germline. Affected: yes. Observed: 1 variant allele.
Comment: ACMG classification criteria: PM2 moderated, PP2 supporting, BP4 supporting

NM_004247.4(EFTUD2):c.1177C>G (p.Pro393Ala)

Gene: EFTUD2 (elongation factor Tu GTP binding domain containing 2; minus strand). Cytogenetic location: 17q21.31.
Variant type: single nucleotide variant.
Coding change: c.1177C>G on transcript NM_004247.4 (MANE Select); coding-DNA position 1177, C replaced by G.
Protein change: p.Pro393Ala; replaces proline 393 with alanine.
Molecular consequence: missense variant.
Genome position (GRCh38, 1-based): chr17:44,865,038, G>C on the plus strand (C>G on the coding strand, the complement: EFTUD2 is on the minus strand). VCF-style: chr17-44865038-G-C. GRCh37 (hg19) VCF-style: chr17-42942406-G-C.
Other names: c.1177C>G (NM_004247.3); c.1072C>G, p.Pro358Ala (NM_001142605.2); c.1177C>G, p.Pro393Ala (NM_001258353.2); c.1147C>G, p.Pro383Ala (NM_001258354.2); short protein forms P358A, P383A, P393A.
Identifiers: ClinVar variation 2431788 (VCV002431788.2), dbSNP rs2508771371, ClinGen allele CA399815400.